The following is an entry in ClinVar:

NM_001378120.1(MBD5):c.799C>T (p.His267Tyr)

Gene: MBD5 (methyl-CpG binding domain protein 5; plus strand). Cytogenetic location: 2q23.1.
Variant type: single nucleotide variant.
Coding change: c.799C>T on transcript NM_001378120.1 (MANE Select); coding-DNA position 799, C replaced by T.
Protein change: p.His267Tyr; replaces histidine 267 with tyrosine.
Molecular consequence: missense variant.
Genome position (GRCh38, 1-based): chr2:148,468,742, C>T. VCF-style: chr2-148468742-C-T. GRCh37 (hg19) VCF-style: chr2-149226311-C-T.
Other names: c.799C>T, p.His267Tyr (NM_018328.5); short protein forms H267Y.
Identifiers: ClinVar variation 1703998 (VCV001703998.3), dbSNP rs2469857853, ClinGen allele CA348717749.
Genomic context (GRCh38, chr2:148,468,742, plus strand): 5'-CCTGATGTTTTCACAAGAAGTAATCCTGGTTTTCATGGAGCTCCCAATTCTAGTCCTATT[C>T]ACCTGAATAGGACTCCTCTTTCTCCACCTTCAGTAATGCTACATGGTTCTCCTGTACAGT-3'
Protein context (NP_001365049.1, residues 257-277): FHGAPNSSPI[His267Tyr]LNRTPLSPPS

ClinVar aggregate classification (germline): Uncertain significance. Review status: criteria provided, multiple submitters, no conflicts (2 of 4 stars). 2 submissions from 2 submitters: Uncertain significance (2). Last evaluated 2025-07-02.

Conditions:
Intellectual developmental disorder, autosomal dominant 1. Also called: Intellectual disability, autosomal dominant 1; MBD5 Haploinsufficiency. Identifiers: Orphanet 228402, MedGen C1969562, MONDO:0007974, OMIM 156200.

Allele frequency attached by ClinVar (database versions not stated): gnomAD exomes below 0.00001.
gnomAD v4.1: 1 of 1,613,950 alleles (0.000062%); highest among the groups gnomAD compares: South Asian, 0.0011%; no homozygotes.

Submissions (2):

Labcorp Genetics (formerly Invitae), Labcorp
Classification: Uncertain significance for Intellectual developmental disorder, autosomal dominant 1. Last evaluated: 2025-07-02. Review status: criteria provided, single submitter. Criteria: Invitae Variant Classification Sherloc (09022015). Collection method: clinical testing. Allele origin: germline.
Comment: This sequence change replaces histidine, which is basic and polar, with tyrosine, which is neutral and polar, at codon 267 of the MBD5 protein (p.His267Tyr). This variant is not present in population databases (gnomAD no frequency). This variant has not been reported in the literature in individuals affected with MBD5-related conditions. ClinVar contains an entry for this variant (Variation ID: 1703998). Invitae Evidence Modeling of protein sequence and biophysical properties (such as structural, functional, and spatial information, amino acid conservation, physicochemical variation, residue mobility, and thermodynamic stability) has been performed for this missense variant. However, the output from this modeling did not meet the statistical confidence thresholds required to predict the impact of this variant on MBD5 protein function. In summary, the available evidence is currently insufficient to determine the role of this variant in disease. Therefore, it has been classified as a Variant of Uncertain Significance.

GeneDx
Classification: Uncertain significance. Last evaluated: 2022-02-28. Review status: criteria provided, single submitter. Criteria: GeneDx Variant Classification Process June 2021. Collection method: clinical testing. Allele origin: germline. Affected: yes.
Comment: Not observed at significant frequency in large population cohorts (gnomAD); In silico analysis supports that this missense variant does not alter protein structure/function; Has not been previously published as pathogenic or benign to our knowledge